The following is an entry in ClinVar:

NM_002076.4(GNS):c.605A>G (p.Asp202Gly)

Gene: GNS (glucosamine (N-acetyl)-6-sulfatase; minus strand). Cytogenetic location: 12q14.3.
Variant type: single nucleotide variant.
Coding change: c.605A>G on transcript NM_002076.4 (MANE Select); coding-DNA position 605, A replaced by G.
Protein change: p.Asp202Gly; replaces aspartic acid 202 with glycine.
Molecular consequence: missense variant.
Genome position (GRCh38, 1-based): chr12:64,744,828, T>C on the plus strand (A>G on the coding strand, the complement: GNS is on the minus strand). VCF-style: chr12-64744828-T-C. GRCh37 (hg19) VCF-style: chr12-65138608-T-C.
Other names: short protein forms D202G.
Identifiers: ClinVar variation 1514770 (VCV001514770.3), dbSNP rs1439386150, ClinGen allele CA385609453.

ClinVar aggregate classification (germline): Uncertain significance (1 of 4 stars; one submission).

Conditions:
Mucopolysaccharidosis, MPS-III-D (MPS3D). Also called: N-ACETYLGLUCOSAMINE-6-SULFATASE DEFICIENCY; SANFILIPPO SYNDROME D; MPS III D; Mucopoly-saccharidosis type 3D; N-acetylglucosamine-6-sulfate sulfatase deficiency; MPS 3D. Identifiers: Orphanet 581, Orphanet 79272, MedGen C0086650, MONDO:0009658, OMIM 252940.

Allele frequency attached by ClinVar (database versions not stated): gnomAD exomes 0.00001 and below 0.00001.

Submission:

Labcorp Genetics (formerly Invitae), Labcorp
Classification: Uncertain significance for Mucopolysaccharidosis, MPS-III-D. Last evaluated: 2022-08-09. Review status: criteria provided, single submitter. Criteria: Invitae Variant Classification Sherloc (09022015). Collection method: clinical testing. Allele origin: germline.
Comment: This sequence change replaces aspartic acid, which is acidic and polar, with glycine, which is neutral and non-polar, at codon 202 of the GNS protein (p.Asp202Gly). This variant is present in population databases (no rsID available, gnomAD 0.0009%). This variant has not been reported in the literature in individuals affected with GNS-related conditions. ClinVar contains an entry for this variant (Variation ID: 1514770). Algorithms developed to predict the effect of missense changes on protein structure and function are either unavailable or do not agree on the potential impact of this missense change (SIFT: "Tolerated"; PolyPhen-2: "Probably Damaging"; Align-GVGD: "Class C0"). In summary, the available evidence is currently insufficient to determine the role of this variant in disease. Therefore, it has been classified as a Variant of Uncertain Significance.